The following is an entry in ClinVar:

NM_005529.7(HSPG2):c.8163C>T (p.Ser2721=)

Gene: HSPG2 (heparan sulfate proteoglycan 2; minus strand). Cytogenetic location: 1p36.12.
Variant type: single nucleotide variant.
Coding change: c.8163C>T on transcript NM_005529.7 (MANE Select); coding-DNA position 8163, C replaced by T.
Protein change: p.Ser2721=; no amino-acid change (serine 2721 retained).
Molecular consequence: synonymous variant.
Genome position (GRCh38, 1-based): chr1:21,847,355, G>A on the plus strand (C>T on the coding strand, the complement: HSPG2 is on the minus strand). VCF-style: chr1-21847355-G-A. GRCh37 (hg19) VCF-style: chr1-22173848-G-A.
Other names: c.8166C>T, p.Ser2722= (NM_001291860.2).
Identifiers: ClinVar variation 876039 (VCV000876039.6), dbSNP rs768337273, ClinGen allele CA670903.

ClinVar aggregate classification (germline): Uncertain significance. Review status: criteria provided, multiple submitters, no conflicts (2 of 4 stars). 3 submissions from 2 submitters: Uncertain significance (3). Last evaluated 2023-08-04.

Conditions:
Schwartz-Jampel syndrome. Also called: Myotonic myopathy dwarfism chondrodystrophy and ocular and facial abnormalities. Identifiers: Orphanet 800, MedGen C0036391, MONDO:0009717.
Lethal Kniest-like syndrome (DDSH). Also called: Dyssegmental Dysplasia. Identifiers: Orphanet 1865, MedGen C1857100, MONDO:0009140, OMIM 224410.

Allele frequency attached by ClinVar (database versions not stated): ExAC 0.00003; gnomAD exomes 0.00003 and 0.00004; TOPMed 0.00003; gnomAD 0.00004.
gnomAD v4.1: 71 of 1,613,876 alleles (0.0044%); highest among the groups gnomAD compares: African/African-American, 0.012%; no homozygotes.

Submissions (3):

Labcorp Genetics (formerly Invitae), Labcorp
Classification: Uncertain significance. Last evaluated: 2023-08-04. Review status: criteria provided, single submitter. Criteria: Invitae Variant Classification Sherloc (09022015). Collection method: clinical testing. Allele origin: germline.
Comment: This sequence change affects codon 2721 of the HSPG2 mRNA. It is a 'silent' change, meaning that it does not change the encoded amino acid sequence of the HSPG2 protein. It affects a nucleotide within the consensus splice site. This variant is present in population databases (rs768337273, gnomAD 0.02%). This variant has not been reported in the literature in individuals affected with HSPG2-related conditions. ClinVar contains an entry for this variant (Variation ID: 876039). Algorithms developed to predict the effect of sequence changes on RNA splicing suggest that this variant is not likely to affect RNA splicing. In summary, the available evidence is currently insufficient to determine the role of this variant in disease. Therefore, it has been classified as a Variant of Uncertain Significance.

Illumina Laboratory Services, Illumina
Classification: Uncertain significance for Schwartz-Jampel syndrome type 1. Last evaluated: 2018-01-12. Review status: criteria provided, single submitter. Criteria: ICSL Variant Classification Criteria 13 December 2019. Collection method: clinical testing. Allele origin: germline.

Illumina Laboratory Services, Illumina
Classification: Uncertain significance for Lethal Kniest-like syndrome. Last evaluated: 2018-01-12. Review status: criteria provided, single submitter. Criteria: ICSL Variant Classification Criteria 13 December 2019. Collection method: clinical testing. Allele origin: germline.